The following is an entry in ClinVar:

ClinVar aggregate classification (germline): Uncertain significance. Review status: criteria provided, multiple submitters, no conflicts (2 of 4 stars). 2 submissions from 2 submitters: Uncertain significance (2). Last evaluated 2025-08-12.

Conditions:
Inborn genetic diseases. Identifiers: MedGen C0950123, MeSH D030342.

Submissions (2):

Ambry Genetics
Classification: Uncertain significance for Inborn genetic diseases. Last evaluated: 2025-08-12. Review status: criteria provided, single submitter. Criteria: Ambry Variant Classification Scheme 2023. Collection method: clinical testing. Allele origin: germline.
Comment: The p.M1077V variant (also known as c.3229A>G), located in coding exon 32 of the FANCA gene, results from an A to G substitution at nucleotide position 3229. The methionine at codon 1077 is replaced by valine, an amino acid with highly similar properties. This amino acid position is conserved. In addition, this alteration is predicted to be tolerated by in silico analysis. Based on the available evidence, the clinical significance of this variant remains unclear.

Blueprint Genetics
Classification: Uncertain significance. Last evaluated: 2023-04-14. Review status: criteria provided, single submitter. Criteria: ACMG Guidelines, 2015. Collection method: clinical testing. Allele origin: germline.

NM_000135.4(FANCA):c.3229A>G (p.Met1077Val)

Gene: FANCA (FA complementation group A; minus strand). Cytogenetic location: 16q24.3.
Variant type: single nucleotide variant.
Coding change: c.3229A>G on transcript NM_000135.4 (MANE Select); coding-DNA position 3229, A replaced by G.
Protein change: p.Met1077Val; replaces methionine 1077 with valine.
Molecular consequence: missense variant.
Genome position (GRCh38, 1-based): chr16:89,749,740, T>C on the plus strand (A>G on the coding strand, the complement: FANCA is on the minus strand). VCF-style: chr16-89749740-T-C. GRCh37 (hg19) VCF-style: chr16-89816148-T-C.
Other names: c.3229A>G, p.Met1077Val (NM_001286167.3); short protein forms M1077V.
Identifiers: ClinVar variation 4254287 (VCV004254287.2).
Genomic context (GRCh38, chr16:89,749,740, plus strand): 5'-GCTGCCCTGCCCAGGTGGTGCTGCCCTGCCCAGGTGGTAGTAGGTGTTACCGTTTGTACA[T>C]TAGCAGCTCCCTCTGTCTCTGAAGGCTGGCAGCCACGCTCCACCCGCTTGTCAGAGCCTG-3'
Protein context (NP_000126.2, residues 1067-1087): ASLQRQRELL[Met1077Val]YKRILLRLPS